The following is an entry in ClinVar:

ClinVar aggregate classification (germline): Uncertain significance (0 of 4 stars; one submission).

Conditions:
Breast ductal adenocarcinoma. Also called: Ductal breast carcinoma; Breast cancer, invasive ductal. Identifiers: MedGen C1527349, MONDO:0005590.

Submission:

Next Generation Diagnostics, Novartis Institutes for BioMedical Research, Inc.
Classification: Uncertain significance for Breast ductal adenocarcinoma. Last evaluated: 2015-07-20. Review status: no assertion criteria provided. Collection method: research. Allele origin: somatic. Affected: yes.
Comment: Loss of heterozygosity

Single allele

Genes: AP2A2 (adaptor related protein complex 2 subunit alpha 2; plus strand), BRSK2 (BR serine/threonine kinase 2; plus strand), CHID1 (chitinase domain containing 1; minus strand), MUC5AC (mucin 5AC, oligomeric mucus/gel-forming; plus strand), MUC5B (mucin 5B, oligomeric mucus/gel-forming; plus strand) and 14 more. Cytogenetic location: 11p15.5.
Variant type: Complex.
Identifiers: ClinVar variation 221343 (VCV000221343.2).